The following is an entry in ClinVar:

NM_001318895.3(FHL2):c.513G>A (p.Thr171=)

Genes: FHL2 (four and a half LIM domains 2; minus strand), C2orf49 (chromosome 2 open reading frame 49; plus strand). Cytogenetic location: 2q12.2.
Variant type: single nucleotide variant.
Coding change: c.513G>A on transcript NM_001318895.3 (MANE Select); coding-DNA position 513, G replaced by A.
Protein change: p.Thr171=; no amino-acid change (threonine 171 retained).
Molecular consequence: synonymous variant.
Genome position (GRCh38, 1-based): chr2:105,363,460, C>T on the plus strand (G>A on the coding strand, the complement: FHL2 is on the minus strand). VCF-style: chr2-105363460-C-T. GRCh37 (hg19) VCF-style: chr2-105979917-C-T.
Other names: c.513G>A, p.Thr171= (NM_001039492.3, NM_001318894.1, NM_001318896.2 and 4 more transcripts); c.171G>A, p.Thr57= (NM_001318897.2, NM_001318898.2); c.189G>A, p.Thr63= (NM_001318899.2).
Identifiers: ClinVar variation 429238 (VCV000429238.7), dbSNP rs1018740778, ClinGen allele CA53348998.

ClinVar aggregate classification (germline): Conflicting classifications of pathogenicity. Review status: criteria provided, conflicting classifications (1 of 4 stars). 2 submissions from 2 submitters: Uncertain significance (1); Likely benign (1). Last evaluated 2022-03-03.

Conditions:
Primary dilated cardiomyopathy (DCM). Also called: Dilated Cardiomyopathy. Identifiers: Orphanet 217604, MedGen C0007193, MeSH D002311, MONDO:0005021, HP:0001644. Inheritance: Various modes of inheritance.

Allele frequency attached by ClinVar (database versions not stated): TOPMed 0.00001; gnomAD 0.00001.
gnomAD v4.1: 9 of 1,608,610 alleles (0.00056%); highest among the groups gnomAD compares: African/African-American, 0.0053%; no homozygotes.

Submissions (2):

Labcorp Genetics (formerly Invitae), Labcorp
Classification: Likely benign for Primary dilated cardiomyopathy. Last evaluated: 2022-03-03. Review status: criteria provided, single submitter. Criteria: Invitae Variant Classification Sherloc (09022015). Collection method: clinical testing. Allele origin: germline.

GeneDx
Classification: Uncertain significance. Last evaluated: 2017-05-03. Review status: criteria provided, single submitter. Criteria: GeneDx Variant Classification (06012015). Collection method: clinical testing. Allele origin: germline. Affected: yes.
Comment: The c.513 G>A variant in the FHL2 gene has not been published as a pathogenic variant, nor has it been reported as a benign variant to our knowledge. This substitution occurs at a nucleotide position that is not conserved. Although the c.513 G>A (T171=) variant results in a synonymous amino acid substitution, multiple in-silico splice prediction models predict that c.513 G>A may create a cryptic splice acceptor site which may supplant the natural splice acceptor site in exon 5 and lead to abnormal gene splicing. However, in the absence of RNA/functional studies, the actual effect of this sequence change in this individual is unknown. The c.513 G>A variant is not observed in large population cohorts (Lek et al., 2016; 1000 Genomes Consortium et al., 2015; Exome Variant Server). We interpret c.513 G>A as a variant of uncertain significance.